The following is an entry in ClinVar:

NM_003803.4(MYOM1):c.139A>G (p.Ser47Gly)

Gene: MYOM1 (myomesin 1; minus strand). Cytogenetic location: 18p11.31.
Variant type: single nucleotide variant.
Coding change: c.139A>G on transcript NM_003803.4 (MANE Select); coding-DNA position 139, A replaced by G.
Protein change: p.Ser47Gly; replaces serine 47 with glycine.
Molecular consequence: missense variant.
Genome position (GRCh38, 1-based): chr18:3,215,085, T>C on the plus strand (A>G on the coding strand, the complement: MYOM1 is on the minus strand). VCF-style: chr18-3215085-T-C. GRCh37 (hg19) VCF-style: chr18-3215083-T-C.
Other names: c.139A>G, p.Ser47Gly (NM_019856.2); short protein forms S47G.
Identifiers: ClinVar variation 226801 (VCV000226801.29), dbSNP rs202145133, ClinGen allele CA8875349.

ClinVar aggregate classification (germline): Benign/Likely benign. Review status: criteria provided, multiple submitters, no conflicts (2 of 4 stars). 5 submissions from 5 submitters: Benign (4); Likely benign (1). Last evaluated 2026-08-01.

Conditions:
Cardiovascular phenotype. Identifiers: MedGen CN230736.
Hypertrophic cardiomyopathy. Also called: HYPERTROPHIC MYOCARDIOPATHY. Identifiers: Orphanet 217569, MedGen C0007194, MeSH D002312, MONDO:0005045, HP:0001639.

Allele frequency attached by ClinVar (database versions not stated): ESP Exome Variant Server 0.00201; 1000 Genomes Project 30x 0.00234; 1000 Genomes Project 0.00260; TOPMed 0.00324; ExAC 0.00538; gnomAD exomes 0.00613 and 0.00663; gnomAD 0.00668 and 0.00695.
gnomAD v4.1: 10,035 of 1,613,626 alleles (0.62%); highest among the groups gnomAD compares: Non-Finnish European, 0.55%; 74 homozygotes.

Submissions (5):

CeGaT Center for Human Genetics Tuebingen
Classification: Likely benign. Last evaluated: 2026-08-01. Review status: criteria provided, single submitter. Criteria: CeGaT Center For Human Genetics Tuebingen Variant Classification Criteria Version 2. Collection method: clinical testing. Allele origin: germline. Affected: yes. Observed: 3 variant alleles.
Comment: MYOM1: BP4, BS2

Labcorp Genetics (formerly Invitae), Labcorp
Classification: Benign for Hypertrophic cardiomyopathy. Last evaluated: 2026-01-28. Review status: criteria provided, single submitter. Criteria: Invitae Variant Classification Sherloc (09022015). Collection method: clinical testing. Allele origin: germline.

Laboratory for Molecular Medicine, Mass General Brigham Personalized Medicine
Classification: Benign. Last evaluated: 2014-11-24. Review status: criteria provided, single submitter. Criteria: LMM Criteria. Collection method: clinical testing. Allele origin: germline. Observed: 2 variant alleles.
Comment: Ser47Gly in exon 2 of MYOM1: This variant is not expected to have clinical signi ficance because it has been identified in 4.3% (8/186) of Finnish chromosomes fr om a broad population by the 1000 Genomes Project (rojects/SNP; dbSNP rs202145133).

Ambry Genetics
Classification: Benign for Cardiovascular phenotype. Last evaluated: 2013-10-24. Review status: criteria provided, single submitter. Criteria: Ambry Autosomal Dominant and X-Linked criteria (10/2015). Collection method: clinical testing. Allele origin: germline. Observed: 1 variant allele.
Comment: General population or subpopulation frequency is too high to be a pathogenic mutation based on disease/syndrome prevalence and penetrance

Breakthrough Genomics
Classification: Benign. Review status: criteria provided, single submitter. Criteria: ACMG Guidelines, 2015. Collection method: not provided. Allele origin: germline. Inheritance: Unknown mechanism. Affected: yes.